The following is an entry in ClinVar:

ClinVar aggregate classification (germline): Uncertain significance. Review status: criteria provided, multiple submitters, no conflicts (2 of 4 stars). 2 submissions from 2 submitters: Uncertain significance (2). Last evaluated 2026-01-24.

Conditions:
Diamond-Blackfan anemia. Also called: Blackfan Diamond syndrome; Aregenerative anemia chronic congenital; Red cell aplasia, pure hereditary; Congenital hypoplastic anemia; Aase syndrome. Identifiers: Orphanet 124, MedGen C1260899, MeSH D029503, MONDO:0015253, HP:0004810.
Diamond-Blackfan anemia 3 (DBA3). Also called: RPS24-Related Diamond-Blackfan Anemia. Identifiers: Orphanet 124, MedGen C1857719, MONDO:0012529, OMIM 610629.

Allele frequency attached by ClinVar (database versions not stated): ExAC 0.00001; gnomAD exomes 0.00001 and 0.00003.
gnomAD v4.1: 13 of 1,614,026 alleles (0.00081%); highest among the groups gnomAD compares: East Asian, 0.025%; no homozygotes.

Submissions (2):

Labcorp Genetics (formerly Invitae), Labcorp
Classification: Uncertain significance for Diamond-Blackfan anemia. Last evaluated: 2026-01-24. Review status: criteria provided, single submitter. Criteria: Invitae Variant Classification Sherloc (09022015). Collection method: clinical testing. Allele origin: germline.
Comment: This sequence change replaces arginine, which is basic and polar, with glutamine, which is neutral and polar, at codon 41 of the RPS24 protein (p.Arg41Gln). This variant is present in population databases (rs751857347, gnomAD 0.03%). This variant has not been reported in the literature in individuals affected with RPS24-related conditions. ClinVar contains an entry for this variant (Variation ID: 1013633). An algorithm developed to predict the effect of missense changes on protein structure and function (PolyPhen-2) suggests that this variant is likely to be tolerated. In summary, the available evidence is currently insufficient to determine the role of this variant in disease. Therefore, it has been classified as a Variant of Uncertain Significance.

Fulgent Genetics
Classification: Uncertain significance for Diamond-Blackfan anemia 3. Last evaluated: 2024-02-20. Review status: criteria provided, single submitter. Criteria: ACMG Guidelines, 2015. Collection method: clinical testing. Allele origin: germline.

NM_033022.4(RPS24):c.122G>A (p.Arg41Gln)

Gene: RPS24 (ribosomal protein S24; plus strand). Cytogenetic location: 10q22.3.
Variant type: single nucleotide variant.
Coding change: c.122G>A on transcript NM_033022.4 (MANE Select); coding-DNA position 122, G replaced by A.
Protein change: p.Arg41Gln; replaces arginine 41 with glutamine.
Molecular consequence: missense variant.
Genome position (GRCh38, 1-based): chr10:78,035,563, G>A. VCF-style: chr10-78035563-G-A. GRCh37 (hg19) VCF-style: chr10-79795321-G-A.
Other names: c.122G>A, p.Arg41Gln (NM_001026.5, NM_001142282.2, NM_001142283.2 and 2 more transcripts); short protein forms R41Q.
Identifiers: ClinVar variation 1013633 (VCV001013633.8), dbSNP rs751857347, ClinGen allele CA5571954.